The following is an entry in ClinVar:

ClinVar aggregate classification (germline): Uncertain significance (1 of 4 stars; one submission).

Submission:

Labcorp Genetics (formerly Invitae), Labcorp
Classification: Uncertain significance. Last evaluated: 2023-05-22. Review status: criteria provided, single submitter. Criteria: Invitae Variant Classification Sherloc (09022015). Collection method: clinical testing. Allele origin: germline.
Comment: An algorithm developed to predict the effect of missense changes on protein structure and function (PolyPhen-2) suggests that this variant is likely to be tolerated. In summary, the available evidence is currently insufficient to determine the role of this variant in disease. Therefore, it has been classified as a Variant of Uncertain Significance. ClinVar contains an entry for this variant (Variation ID: 1993611). This variant has not been reported in the literature in individuals affected with ATAD1-related conditions. This variant is not present in population databases (gnomAD no frequency). This sequence change replaces glycine, which is neutral and non-polar, with aspartic acid, which is acidic and polar, at codon 151 of the ATAD1 protein (p.Gly151Asp).

NM_001321967.2(ATAD1):c.452G>A (p.Gly151Asp)

Gene: ATAD1 (ATPase family AAA domain containing 1; minus strand). Cytogenetic location: 10q23.31.
Variant type: single nucleotide variant.
Coding change: c.452G>A on transcript NM_001321967.2 (MANE Select); coding-DNA position 452, G replaced by A.
Protein change: p.Gly151Asp; replaces glycine 151 with aspartic acid.
Molecular consequence: missense variant. On other transcripts: non-coding transcript variant (1).
Genome position (GRCh38, 1-based): chr10:87,784,601, C>T on the plus strand (G>A on the coding strand, the complement: ATAD1 is on the minus strand). VCF-style: chr10-87784601-C-T. GRCh37 (hg19) VCF-style: chr10-89544358-C-T.
Other names: c.452G>A, p.Gly151Asp (NM_001321968.2, NM_032810.4); c.95G>A, p.Gly32Asp (NM_001321969.2); short protein forms G151D, G32D.
Identifiers: ClinVar variation 1993611 (VCV001993611.4), dbSNP rs2493174065, ClinGen allele CA377491305.